The following is an entry in ClinVar:

NM_001807.6(CEL):c.1725T>G (p.Gly575=)

Gene: CEL (carboxyl ester lipase; plus strand). Cytogenetic location: 9q34.13.
Variant type: single nucleotide variant.
Coding change: c.1725T>G on transcript NM_001807.6 (MANE Select); coding-DNA position 1725, T replaced by G.
Protein change: p.Gly575=; no amino-acid change (glycine 575 retained).
Molecular consequence: synonymous variant.
Genome position (GRCh38, 1-based): chr9:133,071,227, T>G. VCF-style: chr9-133071227-T-G. GRCh37 (hg19) VCF-style: chr9-135946614-T-G.
Identifiers: ClinVar variation 2673200 (VCV002673200.23), dbSNP rs758465429, ClinGen allele CA5303505.

ClinVar aggregate classification (germline): Likely benign (1 of 4 stars; one submission).

Allele frequency attached by ClinVar (database versions not stated): gnomAD exomes below 0.00001; gnomAD 0.00001.
gnomAD v4.1: 4 of 1,590,874 alleles (0.00025%); highest among the groups gnomAD compares: African/African-American, 0.0014%; no homozygotes.

Submission:

CeGaT Center for Human Genetics Tuebingen
Classification: Likely benign. Last evaluated: 2023-11-01. Review status: criteria provided, single submitter. Criteria: CeGaT Center For Human Genetics Tuebingen Variant Classification Criteria Version 2. Collection method: clinical testing. Allele origin: germline. Affected: yes. Observed: 1 variant allele.
Comment: CEL: BP4, BP7